The following is an entry in ClinVar:

ClinVar aggregate classification (germline): Uncertain significance. Review status: criteria provided, multiple submitters, no conflicts (2 of 4 stars). 2 submissions from 2 submitters: Uncertain significance (2). Last evaluated 2022-06-10.

Conditions:
Hereditary sensory and autonomic neuropathy type 6. Also called: Neuropathy, hereditary sensory and autonomic, type VI; HSAN VI. Identifiers: Orphanet 314381, MedGen C3539003, MONDO:0013839, OMIM 614653.
Epidermolysis bullosa simplex 3, localized or generalized intermediate, with BP230 deficiency (EBS3). Also called: Epidermolysis bullosa simplex, autosomal recessive 2; Epidermolysis bullosa simplex due to BP230 deficiency. Identifiers: Orphanet 412181, MedGen C3809470, MONDO:0014180, OMIM 615425.
Inborn genetic diseases. Identifiers: MedGen C0950123, MeSH D030342.

Submissions (2):

Labcorp Genetics (formerly Invitae), Labcorp
Classification: Uncertain significance for Epidermolysis bullosa simplex 3, localized or generalized intermediate, with BP230 deficiency; Hereditary sensory and autonomic neuropathy type 6. Last evaluated: 2022-06-10. Review status: criteria provided, single submitter. Criteria: Invitae Variant Classification Sherloc (09022015). Collection method: clinical testing. Allele origin: germline.
Comment: The DST gene has multiple clinically relevant transcripts. This variant occurs in alternate transcript NM_015548.4, and corresponds to NM_001723.5:c.*21759_*21773del in the primary transcript. This variant, c.4762_4776del, results in the deletion of 5 amino acid(s) of the DST protein (p.Arg1588_Lys1592del), but otherwise preserves the integrity of the reading frame. This variant is present in population databases (rs763288106, gnomAD 0.01%). This variant has not been reported in the literature in individuals affected with DST-related conditions. Algorithms developed to predict the effect of sequence changes on RNA splicing suggest that this variant may create or strengthen a splice site. In summary, the available evidence is currently insufficient to determine the role of this variant in disease. Therefore, it has been classified as a Variant of Uncertain Significance.

Ambry Genetics
Classification: Uncertain significance for Inborn genetic diseases. Last evaluated: 2022-03-24. Review status: criteria provided, single submitter. Criteria: Ambry Variant Classification Scheme 2023. Collection method: clinical testing. Allele origin: germline.
Comment: The c.6274_6288del15 variant (also known as p.R2092_K2096del) is located in coding exon 42 of the DST gene. This variant results from an in-frame AGAGACGGTGGCAAG deletion at nucleotide positions 6274 to 6288. This results in the in-frame deletion of a at codon 2092. This amino acid region is not well conserved in available vertebrate species. In addition, this alteration is predicted to be deleterious by in silico analysis (Choi Y et al. PLoS ONE. 2012; 7(10):e46688). Since supporting evidence is limited at this time, the clinical significance of this alteration remains unclear.

NM_001374736.1(DST):c.12631_12645del (p.Arg4211_Lys4215del)

Gene: DST (dystonin; minus strand). Cytogenetic location: 6p12.1.
Variant type: Deletion.
Coding change: c.12631_12645del on transcript NM_001374736.1 (MANE Select); coding-DNA positions 12631 to 12645, 15 bases deleted (AGAGACGGTGGCAAG).
Protein change: p.Arg4211_Lys4215del.
Molecular consequence: inframe deletion.
Genome position (GRCh38, 1-based): chr6:56,593,744-56,593,758, CTTGCCACCGTCTCT deleted on the plus strand (AGAGACGGTGGCAAG on the coding strand, the reverse complement: DST is on the minus strand); deleting any 15 consecutive bases within chr6:56,593,744-56,593,763 gives the same sequence; the c. name uses the placement nearest the transcript's 3' end. VCF-style (leftmost placement, unchanged base first): chr6-56593743-CCTTGCCACCGTCTCT-C. GRCh37 (hg19) VCF-style: chr6-56458541-CCTTGCCACCGTCTCT-C.
Other names: c.6274_6288del, p.Arg2092_Lys2096del (NM_001144769.5); c.5860_5874del, p.Arg1954_Lys1958del (NM_001144770.2); c.12631_12645del, p.Arg4211_Lys4215del (NM_001374722.1); c.11998_12012del, p.Arg4000_Lys4004del (NM_001374729.1); c.5740_5754del, p.Arg1914_Lys1918del (NM_001374730.1, NM_183380.4); c.12658_12672del, p.Arg4220_Lys4224del (NM_001374734.1); c.4762_4776del, p.Arg1588_Lys1592del (NM_015548.5).
Identifiers: ClinVar variation 966174 (VCV000966174.7), dbSNP rs763288106, ClinGen allele CA3868428.
Genomic context (GRCh38, chr6:56,593,743, plus strand): 5'-ACCGATCAGTAGCATGATCCAACTTGCGCTGCACTTCTCTGTGGGTTGCAGAAGTATCAA[CCTTGCCACCGTCTCT>C]CTTGCTGCAAGATTTGGCAGCTTCCAACACTCTGTTTCCAGAAATTGTGATGTATCTCAA-3'